The following is an entry in ClinVar:

ClinVar aggregate classification (germline): Uncertain significance (1 of 4 stars; one submission).

Conditions:
Hereditary cancer-predisposing syndrome. Also called: Neoplastic Syndromes, Hereditary; Tumor predisposition; Hereditary Cancer Syndrome; Hereditary neoplastic syndrome. Identifiers: Orphanet 140162, MedGen C0027672, MeSH D009386, MONDO:0015356.

Submission:

Ambry Genetics
Classification: Uncertain significance for Hereditary cancer-predisposing syndrome. Last evaluated: 2025-10-27. Review status: criteria provided, single submitter. Criteria: Ambry Variant Classification Scheme 2023. Collection method: clinical testing. Allele origin: germline.
Comment: The p.G805E variant (also known as c.2414G>A), located in coding exon 16 of the PDGFRA gene, results from a G to A substitution at nucleotide position 2414. The glycine at codon 805 is replaced by glutamic acid, an amino acid with similar properties. This amino acid position is highly conserved in available vertebrate species. In addition, this alteration is predicted to be deleterious by in silico analysis. Based on the available evidence, the clinical significance of this variant remains unclear.

NM_006206.6(PDGFRA):c.2414G>A (p.Gly805Glu)

Gene: PDGFRA (platelet derived growth factor receptor alpha; plus strand). Cytogenetic location: 4q12.
Variant type: single nucleotide variant.
Coding change: c.2414G>A on transcript NM_006206.6 (MANE Select); coding-DNA position 2414, G replaced by A.
Protein change: p.Gly805Glu; replaces glycine 805 with glutamic acid.
Molecular consequence: missense variant.
Genome position (GRCh38, 1-based): chr4:54,285,461, G>A. VCF-style: chr4-54285461-G-A. GRCh37 (hg19) VCF-style: chr4-55151628-G-A.
Other names: c.2489G>A, p.Gly830Glu (NM_001347828.2); c.2414G>A, p.Gly805Glu (NM_001347829.2); c.2453G>A, p.Gly818Glu (NM_001347830.2); short protein forms G805E, G830E, G818E.
Identifiers: ClinVar variation 4665211 (VCV004665211.1).